The following is an entry in ClinVar:

NM_001290043.2(TAP2):c.806A>G (p.Asn269Ser)

Gene: TAP2 (transporter 2, ATP binding cassette subfamily B member; minus strand). Cytogenetic location: 6p21.32.
Variant type: single nucleotide variant.
Coding change: c.806A>G on transcript NM_001290043.2 (MANE Select); coding-DNA position 806, A replaced by G.
Protein change: p.Asn269Ser; replaces asparagine 269 with serine.
Molecular consequence: missense variant.
Genome position (GRCh38, 1-based): chr6:32,835,293, T>C on the plus strand (A>G on the coding strand, the complement: TAP2 is on the minus strand). VCF-style: chr6-32835293-T-C. GRCh37 (hg19) VCF-style: chr6-32803070-T-C.
Other names: c.806A>G, p.Asn269Ser (NM_000544.3, NM_018833.3); short protein forms N269S.
Identifiers: ClinVar variation 1410382 (VCV001410382.6), dbSNP rs572376231, ClinGen allele CA3746055.

ClinVar aggregate classification (germline): Uncertain significance. Review status: criteria provided, multiple submitters, no conflicts (2 of 4 stars). 2 submissions from 2 submitters: Uncertain significance (2). Last evaluated 2024-05-13.

Conditions:
Inborn genetic diseases. Identifiers: MedGen C0950123, MeSH D030342.
MHC class I deficiency. Identifiers: Orphanet 34592, MedGen C6024714, MONDO:0011476.

Allele frequency attached by ClinVar (database versions not stated): gnomAD 0.00001 and 0.00002; 1000 Genomes Project 30x 0.00016; TOPMed 0.00002; ExAC 0.00003; gnomAD exomes 0.00005; 1000 Genomes Project 0.00020.
gnomAD v4.1: 69 of 1,613,042 alleles (0.0043%); highest among the groups gnomAD compares: Admixed American, 0.013%; no homozygotes.

Submissions (2):

Ambry Genetics
Classification: Uncertain significance for Inborn genetic diseases. Last evaluated: 2024-05-13. Review status: criteria provided, single submitter. Criteria: Ambry Variant Classification Scheme 2023. Collection method: clinical testing. Allele origin: germline.

Labcorp Genetics (formerly Invitae), Labcorp
Classification: Uncertain significance for MHC class I deficiency 1. Last evaluated: 2022-07-12. Review status: criteria provided, single submitter. Criteria: Invitae Variant Classification Sherloc (09022015). Collection method: clinical testing. Allele origin: germline.
Comment: This sequence change replaces asparagine, which is neutral and polar, with serine, which is neutral and polar, at codon 269 of the TAP2 protein (p.Asn269Ser). This variant is present in population databases (rs572376231, gnomAD 0.02%). This variant has not been reported in the literature in individuals affected with TAP2-related conditions. ClinVar contains an entry for this variant (Variation ID: 1410382). Algorithms developed to predict the effect of missense changes on protein structure and function are either unavailable or do not agree on the potential impact of this missense change (SIFT: "Tolerated"; PolyPhen-2: "Not Available"; Align-GVGD: "Class C0"). Algorithms developed to predict the effect of sequence changes on RNA splicing suggest that this variant may create or strengthen a splice site. In summary, the available evidence is currently insufficient to determine the role of this variant in disease. Therefore, it has been classified as a Variant of Uncertain Significance.